The following is an entry in ClinVar:

ClinVar aggregate classification (germline): Likely pathogenic (1 of 4 stars; one submission).

Conditions:
Neuromuscular disease caused by qualitative or quantitative defects of dysferlin. Also called: Qualitative or quantitative defects of dysferlin; Dysferlinopathy. Identifiers: Orphanet 207073, MedGen C2931687, MONDO:0016145.

Submission:

Labcorp Genetics (formerly Invitae), Labcorp
Classification: Likely pathogenic for Neuromuscular disease caused by qualitative or quantitative defects of dysferlin. Last evaluated: 2022-02-04. Review status: criteria provided, single submitter. Criteria: Invitae Variant Classification Sherloc (09022015). Collection method: clinical testing. Allele origin: germline.
Comment: This sequence change affects an acceptor splice site in intron 50 of the DYSF gene. It is expected to disrupt RNA splicing. Variants that disrupt the donor or acceptor splice site typically lead to a loss of protein function (PMID: 16199547), and loss-of-function variants in DYSF are known to be pathogenic (PMID: 17698709, 20301480). This variant is not present in population databases (gnomAD no frequency). This variant has not been reported in the literature in individuals affected with DYSF-related conditions. ClinVar contains an entry for this variant (Variation ID: 1068344). Algorithms developed to predict the effect of sequence changes on RNA splicing suggest that this variant may disrupt the consensus splice site. In summary, the currently available evidence indicates that the variant is pathogenic, but additional data are needed to prove that conclusively. Therefore, this variant has been classified as Likely Pathogenic.

Literature cited by the submitters: PubMed 16199547; PubMed 17698709; PubMed 20301480.

NM_001130987.2(DYSF):c.5785-2A>C

Gene: DYSF (dysferlin; plus strand). Cytogenetic location: 2p13.2.
Variant type: single nucleotide variant.
Coding change: c.5785-2A>C on transcript NM_001130987.2 (MANE Select); the canonical splice acceptor site of the intron before coding-DNA position 5785, A replaced by C.
Molecular consequence: splice acceptor variant.
Genome position (GRCh38, 1-based): chr2:71,674,195, A>C. VCF-style: chr2-71674195-A-C. GRCh37 (hg19) VCF-style: chr2-71901325-A-C.
Other names: c.5761-2A>C (NM_001130979.2); c.5782-2A>C (NM_001130981.2); c.5719-2A>C (NM_001130980.2); c.5731-2A>C (NM_001130978.2); c.5668-2A>C (NM_003494.4); c.5689-2A>C (NM_001130977.2); c.5626-2A>C (NM_001130976.2); c.5764-2A>C (NM_001130982.2); and 5 more.
Identifiers: ClinVar variation 1068344 (VCV001068344.9), dbSNP rs2152961243, ClinGen allele CA347224809.
Genomic context (GRCh38, chr2:71,674,195, plus strand): 5'-GGAACACTGCCTCTCTCTAACCTTGCTTCCTTGCATCCTTCTCTGTTCCTCTTCCGGGTC[A>C]GGATGCCTTCTGGAGGCTGGACAAGACTGAGAGCAAAATCCCAGCACGAGTGGTGTTCCA-3'